The following is an entry in ClinVar:

NM_015459.5(ATL3):c.1114G>A (p.Gly372Arg)

Genes: ATL3 (atlastin GTPase 3; minus strand), LNCROPM (lncRNA regulator of PLAAT3 mediated phospholipid metabolism; plus strand), LOC126861231 (CDK7 strongly-dependent group 2 enhancer GRCh37_chr11:63398741-63399940; plus strand). Cytogenetic location: 11q13.1.
Variant type: single nucleotide variant.
Coding change: c.1114G>A on transcript NM_015459.5 (MANE Select); coding-DNA position 1114, G replaced by A.
Protein change: p.Gly372Arg; replaces glycine 372 with arginine.
Molecular consequence: missense variant.
Genome position (GRCh38, 1-based): chr11:63,631,465, C>T on the plus strand (G>A on the coding strand, the complement: ATL3 is on the minus strand). VCF-style: chr11-63631465-C-T. GRCh37 (hg19) VCF-style: chr11-63398937-C-T.
Other names: c.1060G>A, p.Gly354Arg (NM_001290048.2); short protein forms G354R, G372R.
Identifiers: ClinVar variation 1795950 (VCV001795950.4), dbSNP rs755513890, ClinGen allele CA6063577.
Genomic context (GRCh38, chr11:63,631,465, plus strand): 5'-GTTTGAATTCACAGTGCTTCTCCTCTAGAATGTCTGGAGACAAATAAGGTTTCTCTCCCC[C>T]ACAAACCTAAAAAGAACAAAGAAACAATATGTTAAAAGATCTCTTCAAAAACAAGTGCCA-3'
Protein context (NP_056274.3, residues 362-382): IYYNNMEEVC[Gly372Arg]GEKPYLSPDI

ClinVar aggregate classification (germline): Uncertain significance. Review status: criteria provided, multiple submitters, no conflicts (2 of 4 stars). 2 submissions from 2 submitters: Uncertain significance (2). Last evaluated 2025-08-27.

Conditions:
Neuropathy, hereditary sensory, type 1F. Also called: HSN IF; Hereditary sensory neuropathy type IF. Identifiers: Orphanet 36386, MedGen C3810194, MONDO:0014286, OMIM 615632.
Inborn genetic diseases. Identifiers: MedGen C0950123, MeSH D030342.

gnomAD v4.1: 13 of 1,594,372 alleles (0.00082%); highest among the groups gnomAD compares: African/African-American, 0.0095%; no homozygotes.

Submissions (2):

Ambry Genetics
Classification: Uncertain significance for Inborn genetic diseases. Last evaluated: 2025-08-27. Review status: criteria provided, single submitter. Criteria: Ambry Variant Classification Scheme 2023. Collection method: clinical testing. Allele origin: germline.

Neuberg Centre For Genomic Medicine, NCGM
Classification: Uncertain significance for Neuropathy, hereditary sensory, type 1F. Last evaluated: 2023-07-22. Review status: criteria provided, single submitter. Criteria: ACMG Guidelines, 2015. Collection method: clinical testing. Allele origin: germline. Inheritance: Autosomal dominant inheritance. Affected: yes.
Comment: The missense c.1114G>A p.Gly372Arg variant in ATL3 gene has not been reported previously as a pathogenic variant nor as a benign variant, to our knowledge. The p.Gly372Arg variant is present with allele frequency of 0.0004% in gnomAD Exomes. This variant has been submitted to the ClinVar database as Uncertain Significance. Multiple lines of computational evidence Polyphen - Probably damaging, SIFT - Damaging and MutationTaster - Disease causing predict a damaging effect on protein structure and function for this variant. The reference amino acid at this position in ATL3 is predicted as conserved by GERP++ and PhyloP across 100 vertebrates. The amino acid Gly at position 372 is changed to a Arg changing protein sequence and it might alter its composition and physico-chemical properties. For these reasons, this variant has been classified as a Variant of Uncertain Significance VUS.